The following continues an entry in ClinVar:

NM_000059.4(BRCA2):c.1773_1776del (p.Ile591fs)

Gene: BRCA2. ClinVar aggregate classification (germline): Pathogenic. Pathogenic (1).

Submissions 11 to 20 of 20:

Women's Health and Genetics/Laboratory Corporation of America, LabCorp
Classification: Pathogenic for Hereditary breast ovarian cancer syndrome. Last evaluated: 2021-04-18. Review status: criteria provided, single submitter. Criteria: LabCorp Variant Classification Summary - May 2015. Collection method: clinical testing. Allele origin: germline. Not counted in ClinVar's aggregate classification.
Comment: Variant summary: BRCA2 c.1773_1776delTTAT (p.Ile591MetfsX22) results in a premature termination codon, predicted to cause a truncation of the encoded protein or absence of the protein due to nonsense mediated decay, which are commonly known mechanisms for disease. Truncations downstream of this position have been classified as pathogenic by our laboratory. The variant was absent in 248932 control chromosomes. c.1773_1776delTTAT has been widely reported in the literature in multiple individuals affected with Hereditary Breast And Ovarian Cancer Syndrome (example Rebbeck_2018). These data indicate that the variant is very likely to be associated with disease. Multiple clinical diagnostic laboratories, a consortium (CIMBA) and an expert panel (ENIGMA) have submitted clinical-significance assessments for this variant to ClinVar after 2014 without evidence for independent evaluation. All submitters classified the variant as pathogenic. Based on the evidence outlined above, the variant was classified as pathogenic.

Department of Molecular Diagnostics, Institute of Oncology Ljubljana
Classification: Pathogenic for Breast-ovarian cancer, familial, susceptibility to, 1. Last evaluated: 2020-04-02. Review status: criteria provided, single submitter. Criteria: ACMG Guidelines, 2015. Collection method: clinical testing. Allele origin: germline. Affected: yes. Not counted in ClinVar's aggregate classification.

Clinical Genetics and Genomics, Karolinska University Hospital
Classification: Pathogenic. Last evaluated: 2018-10-22. Review status: criteria provided, single submitter. Criteria: ACMG Guidelines, 2015. Collection method: clinical testing. Allele origin: germline. Affected: yes. Observed: 2 variant alleles. Not counted in ClinVar's aggregate classification.

Consortium of Investigators of Modifiers of BRCA1/2 (CIMBA), c/o University of Cambridge
Classification: Pathogenic for Breast-ovarian cancer, familial, susceptibility to, 2. Last evaluated: 2015-10-02. Review status: criteria provided, single submitter. Criteria: CIMBA Mutation Classification guidelines May 2016. Collection method: clinical testing. Allele origin: germline. Not counted in ClinVar's aggregate classification.

BRCAlab, Lund University
Classification: Pathogenic for Breast-ovarian cancer, familial, susceptibility to, 2. Last evaluated: 2020-03-02. Review status: no assertion criteria provided. Collection method: clinical testing. Allele origin: germline. Affected: yes. Not counted in ClinVar's aggregate classification.

Counsyl
Classification: Pathogenic for Breast-ovarian cancer, familial, susceptibility to, 2. Last evaluated: 2017-02-01. Review status: no assertion criteria provided. Collection method: clinical testing. Allele origin: unknown. Not counted in ClinVar's aggregate classification.

Research Molecular Genetics Laboratory, Women's College Hospital, University of Toronto
Classification: Pathogenic for Hereditary breast ovarian cancer syndrome. Last evaluated: 2014-01-31. Review status: no assertion criteria provided. Collection method: research. Allele origin: germline. Affected: yes. Study: The Canadian Open Genetics Repository (COGR). Not counted in ClinVar's aggregate classification.

Breast Cancer Information Core (BIC) (BRCA2)
Classification: Pathogenic for Breast-ovarian cancer, familial 2. Last evaluated: 2002-05-29. Review status: no assertion criteria provided. Collection method: clinical testing. Allele origin: germline. Affected: yes. Observed: 2 variant alleles. Not counted in ClinVar's aggregate classification.

Department of Pathology and Laboratory Medicine, Sinai Health System
Classification: Uncertain significance. Review status: no assertion criteria provided. Collection method: clinical testing. Allele origin: unknown. Affected: yes. Observed: 1 variant allele. Study: The Canadian Open Genetics Repository (COGR). Not counted in ClinVar's aggregate classification.

Breast Cancer Information Core (BIC) (BRCA2)
Classification: Pathogenic for Breast-ovarian cancer, familial 2. Last evaluated: 2010-09-18. Review status: flagged submission. Collection method: clinical testing. Allele origin: germline. Affected: yes. Observed: 1 variant allele. Not counted in ClinVar's aggregate classification.
ClinVar note: Reason: This record appears to be redundant with a more recent record from the same submitter.
ClinVar note: Notes: SCV000145930 appears to be redundant with SCV000145931.

Literature cited by the submitters: PubMed 22923021 (cited by 6 submitters); PubMed 20104584 (cited by Labcorp Genetics (formerly Invitae), Labcorp and GeneKor MSA); PubMed 12942367 (cited by 5 submitters); PubMed 18393245 (cited by 4 submitters); PubMed 28439188 (cited by Quest Diagnostics Nichols Institute San Juan Capistrano and Ambry Genetics); PubMed 30702160 (cited by Quest Diagnostics Nichols Institute San Juan Capistrano); PubMed 37415649 (cited by Quest Diagnostics Nichols Institute San Juan Capistrano); PubMed 32846166 (cited by Quest Diagnostics Nichols Institute San Juan Capistrano); PubMed 28888541 (cited by Quest Diagnostics Nichols Institute San Juan Capistrano); PubMed 38355628 (cited by Quest Diagnostics Nichols Institute San Juan Capistrano); PubMed 30982232 (cited by Quest Diagnostics Nichols Institute San Juan Capistrano); PubMed 24123850 (cited by Quest Diagnostics Nichols Institute San Juan Capistrano and Counsyl); PubMed 26295337 (cited by Quest Diagnostics Nichols Institute San Juan Capistrano); PubMed 18627636 (cited by Ambry Genetics and Color Diagnostics, LLC DBA Color Health); PubMed 19949876 (cited by Color Diagnostics, LLC DBA Color Health); PubMed 20174566 (cited by Color Diagnostics, LLC DBA Color Health); PubMed 21120943 (cited by Color Diagnostics, LLC DBA Color Health); PubMed 33471991 (cited by Color Diagnostics, LLC DBA Color Health); PubMed 29446198 (cited by Women's Health and Genetics/Laboratory Corporation of America, LabCorp).